The following is an entry in ClinVar:

ClinVar aggregate classification (germline): Conflicting classifications of pathogenicity. Review status: criteria provided, conflicting classifications (1 of 4 stars). 2 submissions from 2 submitters: Likely pathogenic (1); Uncertain significance (1). Last evaluated 2023-05-24.

Conditions:
PKLR-related disorder. Also called: PKLR-related condition.

Allele frequency attached by ClinVar (database versions not stated): TOPMed below 0.00001; ExAC 0.00003.

Submissions (2):

PreventionGenetics, part of Exact Sciences
Classification: Uncertain significance for PKLR-related condition. Last evaluated: 2023-05-24. Review status: criteria provided, single submitter. Criteria: ACMG Guidelines, 2015. Collection method: clinical testing. Allele origin: germline.
Comment: The PKLR c.460G>A variant is predicted to result in the amino acid substitution p.Ala154Thr. This variant was reported in an individual with pyruvate kinase deficiency (van Wijk et al 2009. PubMed ID: 19085939). This variant is reported in 0.0043% of alleles in individuals of European (Finnish) descent in gnomAD. At this time, the clinical significance of this variant is uncertain due to the absence of conclusive functional and genetic evidence.

Blueprint Genetics
Classification: Likely pathogenic for PKLR-related disorders. Last evaluated: 2021-06-04. Review status: criteria provided, single submitter. Criteria: ACMG Guidelines, 2015. Collection method: clinical testing. Allele origin: germline. Affected: yes. Observed: 3 variant alleles.

NM_000298.6(PKLR):c.460G>A (p.Ala154Thr)

Gene: PKLR (pyruvate kinase L/R; minus strand). Cytogenetic location: 1q22.
Variant type: single nucleotide variant.
Coding change: c.460G>A on transcript NM_000298.6 (MANE Select); coding-DNA position 460, G replaced by A.
Protein change: p.Ala154Thr; replaces alanine 154 with threonine.
Molecular consequence: missense variant.
Genome position (GRCh38, 1-based): chr1:155,295,484, C>T on the plus strand (G>A on the coding strand, the complement: PKLR is on the minus strand). VCF-style: chr1-155295484-C-T. GRCh37 (hg19) VCF-style: chr1-155265275-C-T.
Other names: c.367G>A, p.Ala123Thr (NM_181871.4); short protein forms A123T, A154T.
Identifiers: ClinVar variation 2635060 (VCV002635060.2), dbSNP rs780192373, ClinGen allele CA1144334.